The following is an entry in ClinVar:

ClinVar aggregate classification (germline): Uncertain significance. Review status: criteria provided, multiple submitters, no conflicts (2 of 4 stars). 2 submissions from 2 submitters: Uncertain significance (2). Last evaluated 2025-10-21.

Conditions:
Muscular dystrophy-dystroglycanopathy (congenital with brain and eye anomalies), type a, 8 (MDDGA8). Also called: WALKER-WARBURG SYNDROME OR MUSCLE-EYE-BRAIN DISEASE, GTDC2-RELATED. Identifiers: Orphanet 899, MedGen C3553813, MONDO:0013904, OMIM 614830.
Inborn genetic diseases. Identifiers: MedGen C0950123, MeSH D030342.

Allele frequency attached by ClinVar (database versions not stated): gnomAD exomes below 0.00001 and 0.00003.

Submissions (2):

Ambry Genetics
Classification: Uncertain significance for Inborn genetic diseases. Last evaluated: 2025-10-21. Review status: criteria provided, single submitter. Criteria: Ambry Variant Classification Scheme 2023. Collection method: clinical testing. Allele origin: germline.

Labcorp Genetics (formerly Invitae), Labcorp
Classification: Uncertain significance for Muscular dystrophy-dystroglycanopathy (congenital with brain and eye anomalies), type a, 8. Last evaluated: 2022-06-02. Review status: criteria provided, single submitter. Criteria: Invitae Variant Classification Sherloc (09022015). Collection method: clinical testing. Allele origin: germline.
Comment: In summary, the available evidence is currently insufficient to determine the role of this variant in disease. Therefore, it has been classified as a Variant of Uncertain Significance. Algorithms developed to predict the effect of missense changes on protein structure and function output the following: SIFT: "Deleterious"; PolyPhen-2: "Benign"; Align-GVGD: "Class C0". The threonine amino acid residue is found in multiple mammalian species, which suggests that this missense change does not adversely affect protein function. ClinVar contains an entry for this variant (Variation ID: 937804). This variant has not been reported in the literature in individuals affected with POMGNT2-related conditions. This variant is present in population databases (no rsID available, gnomAD 0.0009%). This sequence change replaces isoleucine, which is neutral and non-polar, with threonine, which is neutral and polar, at codon 51 of the POMGNT2 protein (p.Ile51Thr).

NM_032806.6(POMGNT2):c.152T>C (p.Ile51Thr)

Gene: POMGNT2 (protein O-linked mannose N-acetylglucosaminyltransferase 2 (beta 1,4-); minus strand). Cytogenetic location: 3p22.1.
Variant type: single nucleotide variant.
Coding change: c.152T>C on transcript NM_032806.6 (MANE Select); coding-DNA position 152, T replaced by C.
Protein change: p.Ile51Thr; replaces isoleucine 51 with threonine.
Molecular consequence: missense variant.
Genome position (GRCh38, 1-based): chr3:43,081,280, A>G on the plus strand (T>C on the coding strand, the complement: POMGNT2 is on the minus strand). VCF-style: chr3-43081280-A-G. GRCh37 (hg19) VCF-style: chr3-43122772-A-G.
Other names: c.152T>C (NM_032806.4); short protein forms I51T.
Identifiers: ClinVar variation 937804 (VCV000937804.6), dbSNP rs1338816845, ClinGen allele CA352303837.